The following is an entry in ClinVar:

ClinVar aggregate classification (germline): Uncertain significance. Review status: criteria provided, multiple submitters, no conflicts (2 of 4 stars). 3 submissions from 3 submitters: Uncertain significance (3). Last evaluated 2025-04-21.

Conditions:
Inborn genetic diseases. Identifiers: MedGen C0950123, MeSH D030342.

Allele frequency attached by ClinVar (database versions not stated): gnomAD 0.00003; TOPMed 0.00003.
gnomAD v4.1: 23 of 1,613,914 alleles (0.0014%); highest among the groups gnomAD compares: East Asian, 0.011%; no homozygotes.

Submissions (3):

Labcorp Genetics (formerly Invitae), Labcorp
Classification: Uncertain significance. Last evaluated: 2025-04-21. Review status: criteria provided, single submitter. Criteria: Invitae Variant Classification Sherloc (09022015). Collection method: clinical testing. Allele origin: germline.
Comment: This sequence change replaces arginine, which is basic and polar, with cysteine, which is neutral and slightly polar, at codon 554 of the PDE6A protein (p.Arg554Cys). This variant is present in population databases (rs760233048, gnomAD 0.03%). This variant has not been reported in the literature in individuals affected with PDE6A-related conditions. ClinVar contains an entry for this variant (Variation ID: 1913062). Invitae Evidence Modeling of protein sequence and biophysical properties (such as structural, functional, and spatial information, amino acid conservation, physicochemical variation, residue mobility, and thermodynamic stability) has been performed for this missense variant. However, the output from this modeling did not meet the statistical confidence thresholds required to predict the impact of this variant on PDE6A protein function. In summary, the available evidence is currently insufficient to determine the role of this variant in disease. Therefore, it has been classified as a Variant of Uncertain Significance.

Blueprint Genetics
Classification: Uncertain significance. Last evaluated: 2024-11-19. Review status: criteria provided, single submitter. Criteria: ACMG Guidelines, 2015. Collection method: clinical testing. Allele origin: germline.

Ambry Genetics
Classification: Uncertain significance for Inborn genetic diseases. Last evaluated: 2023-04-05. Review status: criteria provided, single submitter. Criteria: Ambry Variant Classification Scheme 2023. Collection method: clinical testing. Allele origin: germline.

NM_000440.3(PDE6A):c.1660C>T (p.Arg554Cys)

Gene: PDE6A (phosphodiesterase 6A; minus strand). Cytogenetic location: 5q32.
Variant type: single nucleotide variant.
Coding change: c.1660C>T on transcript NM_000440.3 (MANE Select); coding-DNA position 1660, C replaced by T.
Protein change: p.Arg554Cys; replaces arginine 554 with cysteine.
Molecular consequence: missense variant.
Genome position (GRCh38, 1-based): chr5:149,895,251, G>A on the plus strand (C>T on the coding strand, the complement: PDE6A is on the minus strand). VCF-style: chr5-149895251-G-A. GRCh37 (hg19) VCF-style: chr5-149274814-G-A.
Other names: c.1660C>T (NM_000440.2); c.1417C>T, p.Arg473Cys (NM_001410788.1); short protein forms R554C, R473C.
Identifiers: ClinVar variation 1913062 (VCV001913062.8), dbSNP rs760233048, ClinGen allele CA3504599.